The following is an entry in ClinVar:

NM_000368.5(TSC1):c.2086C>T (p.Leu696Phe)

Gene: TSC1 (TSC complex subunit 1; minus strand). Cytogenetic location: 9q34.13.
Variant type: single nucleotide variant.
Coding change: c.2086C>T on transcript NM_000368.5 (MANE Select); coding-DNA position 2086, C replaced by T.
Protein change: p.Leu696Phe; replaces leucine 696 with phenylalanine.
Molecular consequence: missense variant.
Genome position (GRCh38, 1-based): chr9:132,903,773, G>A on the plus strand (C>T on the coding strand, the complement: TSC1 is on the minus strand). VCF-style: chr9-132903773-G-A. GRCh37 (hg19) VCF-style: chr9-135779160-G-A.
Other names: c.2083C>T, p.Leu695Phe (NM_001162426.2); c.1933C>T, p.Leu645Phe (NM_001162427.2); c.1723C>T, p.Leu575Phe (NM_001362177.2); short protein forms L696F, L575F, L645F, L695F.
Identifiers: ClinVar variation 847197 (VCV000847197.12), dbSNP rs1845506304, ClinGen allele CA375361084.
Genomic context (GRCh38, chr9:132,903,773, plus strand): 5'-TCCGGAGGGCATGCTGCTGCCTCTTAAAACGCTCATAGAGTAACTGGTTGTGCAGTAAAA[G>A]CAACTGGTCTCGGAGGGTGCGGATCTCATCTGAAGGAGGAGAGCCTGATTGTAAAGCAGA-3'
Protein context (NP_000359.1, residues 686-706): DEIRTLRDQL[Leu696Phe]LLHNQLLYER

ClinVar aggregate classification (germline): Uncertain significance. Review status: criteria provided, multiple submitters, no conflicts (2 of 4 stars). 2 submissions from 2 submitters: Uncertain significance (2). Last evaluated 2022-12-03.

Conditions:
Hereditary cancer-predisposing syndrome. Also called: Neoplastic Syndromes, Hereditary; Hereditary Cancer Syndrome; Hereditary neoplastic syndrome; Tumor predisposition. Identifiers: Orphanet 140162, MedGen C0027672, MeSH D009386, MONDO:0015356.
Tuberous sclerosis 1 (TSC1). Identifiers: Orphanet 805, MedGen C1854465, MONDO:0008612, OMIM 191100.

Submissions (2):

Labcorp Genetics (formerly Invitae), Labcorp
Classification: Uncertain significance for Tuberous sclerosis 1. Last evaluated: 2022-12-03. Review status: criteria provided, single submitter. Criteria: Invitae Variant Classification Sherloc (09022015). Collection method: clinical testing. Allele origin: germline.
Comment: Advanced modeling of protein sequence and biophysical properties (such as structural, functional, and spatial information, amino acid conservation, physicochemical variation, residue mobility, and thermodynamic stability) performed at Invitae indicates that this missense variant is not expected to disrupt TSC1 protein function. ClinVar contains an entry for this variant (Variation ID: 847197). This variant has not been reported in the literature in individuals affected with TSC1-related conditions. This variant is not present in population databases (gnomAD no frequency). This sequence change replaces leucine, which is neutral and non-polar, with phenylalanine, which is neutral and non-polar, at codon 696 of the TSC1 protein (p.Leu696Phe). In summary, the available evidence is currently insufficient to determine the role of this variant in disease. Therefore, it has been classified as a Variant of Uncertain Significance.

Ambry Genetics
Classification: Uncertain significance for Hereditary cancer-predisposing syndrome. Last evaluated: 2021-05-20. Review status: criteria provided, single submitter. Criteria: Ambry Variant Classification Scheme 2023. Collection method: clinical testing. Allele origin: germline.
Comment: The p.L696F variant (also known as c.2086C>T), located in coding exon 15 of the TSC1 gene, results from a C to T substitution at nucleotide position 2086. The leucine at codon 696 is replaced by phenylalanine, an amino acid with highly similar properties. This amino acid position is well conserved in available vertebrate species. In addition, the in silico prediction for this alteration is inconclusive. Since supporting evidence is limited at this time, the clinical significance of this alteration remains unclear.